The following is an entry in ClinVar:

ClinVar aggregate classification (germline): Uncertain significance (1 of 4 stars; one submission).

Submission:

Labcorp Genetics (formerly Invitae), Labcorp
Classification: Uncertain significance. Last evaluated: 2023-03-09. Review status: criteria provided, single submitter. Criteria: Invitae Variant Classification Sherloc (09022015). Collection method: clinical testing. Allele origin: germline.
Comment: This sequence change replaces valine, which is neutral and non-polar, with phenylalanine, which is neutral and non-polar, at codon 460 of the GRIN2D protein (p.Val460Phe). This variant is not present in population databases (gnomAD no frequency). This variant has not been reported in the literature in individuals affected with GRIN2D-related conditions. Advanced modeling of protein sequence and biophysical properties (such as structural, functional, and spatial information, amino acid conservation, physicochemical variation, residue mobility, and thermodynamic stability) has been performed at Invitae for this missense variant, however the output from this modeling did not meet the statistical confidence thresholds required to predict the impact of this variant on GRIN2D protein function. In summary, the available evidence is currently insufficient to determine the role of this variant in disease. Therefore, it has been classified as a Variant of Uncertain Significance.

NM_000836.4(GRIN2D):c.1378G>T (p.Val460Phe)

Gene: GRIN2D (glutamate ionotropic receptor NMDA type subunit 2D; plus strand). Cytogenetic location: 19q13.33.
Variant type: single nucleotide variant.
Coding change: c.1378G>T on transcript NM_000836.4 (MANE Select); coding-DNA position 1378, G replaced by T.
Protein change: p.Val460Phe; replaces valine 460 with phenylalanine.
Molecular consequence: missense variant.
Genome position (GRCh38, 1-based): chr19:48,414,550, G>T. VCF-style: chr19-48414550-G-T. GRCh37 (hg19) VCF-style: chr19-48917807-G-T.
Other names: short protein forms V460F.
Identifiers: ClinVar variation 2844595 (VCV002844595.3), dbSNP rs2513671259, ClinGen allele CA406695454.